The following is an entry in ClinVar:

NM_021625.5(TRPV4):c.2208+3G>A

Gene: TRPV4 (transient receptor potential cation channel subfamily V member 4; minus strand). Cytogenetic location: 12q24.11.
Variant type: single nucleotide variant.
Coding change: c.2208+3G>A on transcript NM_021625.5 (MANE Select); 3 bases into the intron after coding-DNA position 2208, G replaced by A.
Molecular consequence: intron variant.
Genome position (GRCh38, 1-based): chr12:109,788,397, C>T on the plus strand (G>A on the coding strand, the complement: TRPV4 is on the minus strand). VCF-style: chr12-109788397-C-T. GRCh37 (hg19) VCF-style: chr12-110226202-C-T.
Other names: c.1887+3G>A (NM_001177433.1); c.2067+3G>A (NM_001177428.1); c.2028+3G>A (NM_147204.2); c.2106+3G>A (NM_001177431.1).
Identifiers: ClinVar variation 389564 (VCV000389564.1), dbSNP rs1057523473, ClinGen allele CA16606456.
Genomic context (GRCh38, chr12:109,788,397, plus strand): 5'-GTGGGTCTCCTCGGAAGGACGAGGGTGGCTGGTAGAGTGGGGCTGGGGGCCCTGGGGCCT[C>T]ACCTGCAGCTTCCAGATGTGCTTGCTCTCCTTGGAGACCTGGCCCACTGTCTCGCCCATG-3'

ClinVar aggregate classification (germline): Likely benign (1 of 4 stars; one submission).

Submission:

GeneDx
Classification: Likely benign. Last evaluated: 2016-10-17. Review status: criteria provided, single submitter. Criteria: GeneDx Variant Classification (06012015). Collection method: clinical testing. Allele origin: germline. Affected: yes.
Comment: This variant is considered likely benign or benign based on one or more of the following criteria: it is a conservative change, it occurs at a poorly conserved position in the protein, it is predicted to be benign by multiple in silico algorithms, and/or has population frequency not consistent with disease.